The following is an entry in ClinVar:

NM_001142730.3(KCTD1):c.2414G>C (p.Gly805Ala)

Gene: KCTD1 (potassium channel tetramerization domain containing 1; minus strand). Cytogenetic location: 18q11.2.
Variant type: single nucleotide variant.
Coding change: c.2414G>C on transcript NM_001142730.3 (MANE Select); coding-DNA position 2414, G replaced by C.
Protein change: p.Gly805Ala; replaces glycine 805 with alanine.
Molecular consequence: missense variant.
Genome position (GRCh38, 1-based): chr18:26,459,645, C>G on the plus strand (G>C on the coding strand, the complement: KCTD1 is on the minus strand). VCF-style: chr18-26459645-C-G. GRCh37 (hg19) VCF-style: chr18-24039609-C-G.
Other names: c.590G>C, p.Gly197Ala (NM_001136205.2, NM_001258221.2, NM_001351443.1 and 1 more transcripts); c.614G>C, p.Gly205Ala (NM_001258222.3); short protein forms G197A, G205A, G805A.
Identifiers: ClinVar variation 2917589 (VCV002917589.3), dbSNP rs377664171, ClinGen allele CA8922254.

ClinVar aggregate classification (germline): Uncertain significance (1 of 4 stars; one submission).

Allele frequency attached by ClinVar (database versions not stated): ExAC 0.00002; gnomAD exomes 0.00002; TOPMed 0.00002; gnomAD 0.00003; ESP Exome Variant Server 0.00008.
gnomAD v4.1: 28 of 1,601,954 alleles (0.0017%); highest among the groups gnomAD compares: Non-Finnish European, 0.0022%; no homozygotes.

Submission:

Labcorp Genetics (formerly Invitae), Labcorp
Classification: Uncertain significance. Last evaluated: 2023-11-03. Review status: criteria provided, single submitter. Criteria: Invitae Variant Classification Sherloc (09022015). Collection method: clinical testing. Allele origin: germline.
Comment: This sequence change replaces glycine, which is neutral and non-polar, with alanine, which is neutral and non-polar, at codon 197 of the KCTD1 protein (p.Gly197Ala). This variant is present in population databases (rs377664171, gnomAD 0.002%). This variant has not been reported in the literature in individuals affected with KCTD1-related conditions. An algorithm developed to predict the effect of missense changes on protein structure and function (PolyPhen-2) suggests that this variant is likely to be disruptive. In summary, the available evidence is currently insufficient to determine the role of this variant in disease. Therefore, it has been classified as a Variant of Uncertain Significance.